The following is an entry in ClinVar:

NM_018668.5(VPS33B):c.545T>C (p.Leu182Pro)

Gene: VPS33B (VPS33B late endosome and lysosome associated; minus strand). Cytogenetic location: 15q26.1.
Variant type: single nucleotide variant.
Coding change: c.545T>C on transcript NM_018668.5 (MANE Select); coding-DNA position 545, T replaced by C.
Protein change: p.Leu182Pro; replaces leucine 182 with proline.
Molecular consequence: missense variant.
Genome position (GRCh38, 1-based): chr15:91,007,527, A>G on the plus strand (T>C on the coding strand, the complement: VPS33B is on the minus strand). VCF-style: chr15-91007527-A-G. GRCh37 (hg19) VCF-style: chr15-91550757-A-G.
Other names: p.Leu182Pro; c.464T>C, p.Leu155Pro (NM_001289148.1); c.272T>C, p.Leu91Pro (NM_001289149.1); short protein forms L155P, L182P, L91P.
Identifiers: ClinVar variation 3629801 (VCV003629801.2).

ClinVar aggregate classification (germline): Uncertain significance. Review status: criteria provided, multiple submitters, no conflicts (2 of 4 stars). 2 submissions from 2 submitters: Uncertain significance (2). Last evaluated 2025-04-22.

gnomAD v4.1: 6 of 1,614,220 alleles (0.00037%); highest among the groups gnomAD compares: Non-Finnish European, 0.00051%; no homozygotes.

Submissions (2):

Mayo Clinic Laboratories, Mayo Clinic
Classification: Uncertain significance. Last evaluated: 2025-04-22. Review status: criteria provided, single submitter. Criteria: ACMG Guidelines, 2015. Collection method: clinical testing. Allele origin: germline. Observed: 1 variant allele.
Comment: PM2_supporting

Women's Health and Genetics/Laboratory Corporation of America, LabCorp
Classification: Uncertain significance. Last evaluated: 2024-11-06. Review status: criteria provided, single submitter. Criteria: LabCorp Variant Classification Summary - May 2015. Collection method: clinical testing. Allele origin: germline.
Comment: Variant summary: VPS33B c.545T>C (p.Leu182Pro) results in a non-conservative amino acid change in the encoded protein sequence. Three of five in-silico tools predict a damaging effect of the variant on protein function. The variant allele was found at a frequency of 4e-06 in 251456 control chromosomes. The available data on variant occurrences in the general population are insufficient to allow any conclusion about variant significance. To our knowledge, no occurrence of c.545T>C in individuals affected with VPS33B-Related Disorders and no experimental evidence demonstrating its impact on protein function have been reported. No submitters have cited clinical-significance assessments for this variant to ClinVar. Based on the evidence outlined above, the variant was classified as uncertain significance.